The following is an entry in ClinVar:

ClinVar aggregate classification (germline): Uncertain significance. Review status: criteria provided, multiple submitters, no conflicts (2 of 4 stars). 3 submissions from 3 submitters: Uncertain significance (3). Last evaluated 2024-12-04.

Conditions:
Fraser syndrome 3. Identifiers: MedGen C4540040, MONDO:0054739, OMIM 617667.
Inborn genetic diseases. Identifiers: MedGen C0950123, MeSH D030342.

Allele frequency attached by ClinVar (database versions not stated): gnomAD 0.00001; TOPMed 0.00001; gnomAD exomes 0.00003; ExAC 0.00004.
gnomAD v4.1: 38 of 1,605,750 alleles (0.0024%); highest among the groups gnomAD compares: Admixed American, 0.0033%; no homozygotes.

Submissions (3):

Ambry Genetics
Classification: Uncertain significance for Inborn genetic diseases. Last evaluated: 2024-12-04. Review status: criteria provided, single submitter. Criteria: Ambry Variant Classification Scheme 2023. Collection method: clinical testing. Allele origin: germline.

Fulgent Genetics
Classification: Uncertain significance for Fraser syndrome 3. Last evaluated: 2024-04-18. Review status: criteria provided, single submitter. Criteria: ACMG Guidelines, 2015. Collection method: clinical testing. Allele origin: germline.

Labcorp Genetics (formerly Invitae), Labcorp
Classification: Uncertain significance. Last evaluated: 2022-01-17. Review status: criteria provided, single submitter. Criteria: Invitae Variant Classification Sherloc (09022015). Collection method: clinical testing. Allele origin: germline.
Comment: This sequence change replaces valine, which is neutral and non-polar, with alanine, which is neutral and non-polar, at codon 151 of the GRIP1 protein (p.Val151Ala). This variant is present in population databases (rs765879233, gnomAD 0.006%). This variant has not been reported in the literature in individuals affected with GRIP1-related conditions. Algorithms developed to predict the effect of missense changes on protein structure and function (SIFT, PolyPhen-2, Align-GVGD) all suggest that this variant is likely to be tolerated. In summary, the available evidence is currently insufficient to determine the role of this variant in disease. Therefore, it has been classified as a Variant of Uncertain Significance.

NM_001366722.1(GRIP1):c.452T>C (p.Val151Ala)

Gene: GRIP1 (glutamate receptor interacting protein 1; minus strand). Cytogenetic location: 12q14.3.
Variant type: single nucleotide variant.
Coding change: c.452T>C on transcript NM_001366722.1 (MANE Select); coding-DNA position 452, T replaced by C.
Protein change: p.Val151Ala; replaces valine 151 with alanine.
Molecular consequence: missense variant.
Genome position (GRCh38, 1-based): chr12:66,529,881, A>G on the plus strand (T>C on the coding strand, the complement: GRIP1 is on the minus strand). VCF-style: chr12-66529881-A-G. GRCh37 (hg19) VCF-style: chr12-66923661-A-G.
Other names: c.452T>C, p.Val151Ala (NM_001178074.2, NM_001379346.1, NM_021150.4); c.530T>C, p.Val177Ala (NM_001366723.1, NM_001366724.1, NM_001379345.1 and 2 more transcripts); c.455T>C, p.Val152Ala (NM_001379349.1, NM_001379351.1); c.452T>C (NM_021150.3); short protein forms V151A, V152A, V177A.
Identifiers: ClinVar variation 1976650 (VCV001976650.4), dbSNP rs765879233, ClinGen allele CA6674641.
Genomic context (GRCh38, chr12:66,529,881, plus strand): 5'-CAACACCTACCTCGAATTACAAAACCAAAGGTATTGCCTTCTTTATGTAATGTGACCTCC[A>G]CTGTTCGGAAAATAACACTTGATCCTTGCACAGCTGAATAAAGGAAAGAGAGAAGGAAAT-3'
Protein context (NP_001353651.1, residues 141-161): VQGSSVIFRT[Val151Ala]EVTLHKEGNT